The following is an entry in ClinVar:

NM_002582.4(PARN):c.358G>A (p.Gly120Arg)

Gene: PARN (poly(A)-specific ribonuclease; minus strand). Cytogenetic location: 16p13.12.
Variant type: single nucleotide variant.
Coding change: c.358G>A on transcript NM_002582.4 (MANE Select); coding-DNA position 358, G replaced by A.
Protein change: p.Gly120Arg; replaces glycine 120 with arginine.
Molecular consequence: missense variant.
Genome position (GRCh38, 1-based): chr16:14,617,620, C>T on the plus strand (G>A on the coding strand, the complement: PARN is on the minus strand). VCF-style: chr16-14617620-C-T. GRCh37 (hg19) VCF-style: chr16-14711477-C-T.
Other names: c.175G>A, p.Gly59Arg (NM_001134477.3); c.220G>A, p.Gly74Arg (NM_001242992.2); short protein forms G120R, G59R, G74R.
Identifiers: ClinVar variation 810701 (VCV000810701.47), dbSNP rs1596886075, ClinGen allele CA394813177.

ClinVar aggregate classification (germline): Uncertain significance. Review status: criteria provided, multiple submitters, no conflicts (2 of 4 stars). 2 submissions from 2 submitters: Uncertain significance (2). Last evaluated 2024-10-14.

Conditions:
Dyskeratosis congenita, autosomal recessive 6 (DKCB6). Identifiers: MedGen C4225356, MONDO:0014600, OMIM 616353.
Pulmonary fibrosis and/or bone marrow failure, Telomere-related, 4. Also called: PULMONARY FIBROSIS AND/OR BONE MARROW FAILURE SYNDROME, TELOMERE-RELATED, 4. Identifiers: Orphanet 2032, MedGen C4225347, MONDO:0014612, OMIM 616371.

Submissions (2):

Labcorp Genetics (formerly Invitae), Labcorp
Classification: Uncertain significance for Dyskeratosis congenita, autosomal recessive 6; Pulmonary fibrosis and/or bone marrow failure, Telomere-related, 4. Last evaluated: 2024-10-14. Review status: criteria provided, single submitter. Criteria: Invitae Variant Classification Sherloc (09022015). Collection method: clinical testing. Allele origin: germline.
Comment: This sequence change replaces glycine, which is neutral and non-polar, with arginine, which is basic and polar, at codon 120 of the PARN protein (p.Gly120Arg). This variant is not present in population databases (gnomAD no frequency). This variant has not been reported in the literature in individuals affected with PARN-related conditions. ClinVar contains an entry for this variant (Variation ID: 810701). Invitae Evidence Modeling of protein sequence and biophysical properties (such as structural, functional, and spatial information, amino acid conservation, physicochemical variation, residue mobility, and thermodynamic stability) has been performed for this missense variant. However, the output from this modeling did not meet the statistical confidence thresholds required to predict the impact of this variant on PARN protein function. In summary, the available evidence is currently insufficient to determine the role of this variant in disease. Therefore, it has been classified as a Variant of Uncertain Significance.

CeGaT Center for Human Genetics Tuebingen
Classification: Uncertain significance. Last evaluated: 2018-03-01. Review status: criteria provided, single submitter. Criteria: CeGaT Center For Human Genetics Tuebingen Variant Classification Criteria Version 2. Collection method: clinical testing. Allele origin: germline. Affected: yes. Observed: 1 variant allele.